The following is an entry in ClinVar:

NM_006267.5(RANBP2):c.7982A>G (p.Lys2661Arg)

Gene: RANBP2 (RAN binding protein 2; plus strand). Cytogenetic location: 2q13.
Variant type: single nucleotide variant.
Coding change: c.7982A>G on transcript NM_006267.5 (MANE Select); coding-DNA position 7982, A replaced by G.
Protein change: p.Lys2661Arg; replaces lysine 2661 with arginine.
Molecular consequence: missense variant.
Genome position (GRCh38, 1-based): chr2:108,771,833, A>G. VCF-style: chr2-108771833-A-G. GRCh37 (hg19) VCF-style: chr2-109388289-A-G.
Other names: short protein forms K2661R.
Identifiers: ClinVar variation 452163 (VCV000452163.2), dbSNP rs746866652, ClinGen allele CA1823714.

ClinVar aggregate classification (germline): Uncertain significance (1 of 4 stars; one submission).

Allele frequency attached by ClinVar (database versions not stated): gnomAD 0.00001; gnomAD exomes 0.00002 and 0.00005; TOPMed 0.00002; ExAC 0.00006.
gnomAD v4.1: 31 of 1,613,976 alleles (0.0019%); highest among the groups gnomAD compares: Middle Eastern, 0.082%; no homozygotes.

Submission:

GeneDx
Classification: Uncertain significance. Last evaluated: 2017-10-05. Review status: criteria provided, single submitter. Criteria: GeneDx Variant Classification (06012015). Collection method: clinical testing. Allele origin: germline. Affected: yes.
Comment: The K2661R variant has not been published as a pathogenic variant, nor has it been reported as a benign variant to our knowledge. The K2661R variant is observed in 10/126,638 (0.01%) alleles in large population cohorts (Lek et al., 2016). The K2661R variant is a conservative amino acid substitution, which is not likely to impact secondary protein structure as these residues share similar properties. This substitution occurs at a position that is conserved across species. In silico analysis is inconsistent in its predictions as to whether or not the variant is damaging to the protein structure/function. In summary, based on the currently available information, it is unclear whether this variant is a pathogenic variant or a rare benign variant.